The following is an entry in ClinVar:

ClinVar aggregate classification (germline): Benign. Review status: criteria provided, single submitter (1 of 4 stars). 2 submissions from 2 submitters: Benign (1). 1 of the submissions does not count toward it. Last evaluated 2026-02-03.

Conditions:
STAG1-related disorder. Also called: STAG1-related disorders.

Allele frequency attached by ClinVar (database versions not stated): gnomAD exomes 0.00046; ExAC 0.00145; 1000 Genomes Project 0.00359; 1000 Genomes Project 30x 0.00390; ESP Exome Variant Server 0.00584.
gnomAD v4.1: 1,428 of 1,613,892 alleles (0.088%); highest among the groups gnomAD compares: African/African-American, 1.7%; 15 homozygotes.

Submissions (2):

Labcorp Genetics (formerly Invitae), Labcorp
Classification: Benign. Last evaluated: 2026-02-03. Review status: criteria provided, single submitter. Criteria: Invitae Variant Classification Sherloc (09022015). Collection method: clinical testing. Allele origin: germline.

PreventionGenetics, part of Exact Sciences
Classification: Benign for STAG1-related condition. Last evaluated: 2019-08-12. Review status: no assertion criteria provided. Collection method: clinical testing. Allele origin: germline. Not counted in ClinVar's aggregate classification.
Comment: This variant is classified as benign based on ACMG/AMP sequence variant interpretation guidelines (Richards et al. 2015 PMID: 25741868, with internal and published modifications).

NM_005862.3(STAG1):c.2886A>G (p.Thr962=)

Gene: STAG1 (STAG1 cohesin complex component; minus strand). Cytogenetic location: 3q22.3.
Variant type: single nucleotide variant.
Coding change: c.2886A>G on transcript NM_005862.3 (MANE Select); coding-DNA position 2886, A replaced by G.
Protein change: p.Thr962=; no amino-acid change (threonine 962 retained).
Molecular consequence: synonymous variant.
Genome position (GRCh38, 1-based): chr3:136,359,198, T>C on the plus strand (A>G on the coding strand, the complement: STAG1 is on the minus strand). VCF-style: chr3-136359198-T-C. GRCh37 (hg19) VCF-style: chr3-136078040-T-C.
Other names: c.2886A>G (NM_005862.2).
Identifiers: ClinVar variation 2040715 (VCV002040715.6), dbSNP rs61748114, ClinGen allele CA2632494.